The following is an entry in ClinVar:

NM_001009944.3(PKD1):c.12218C>T (p.Thr4073Ile)

Gene: PKD1 (polycystin 1, transient receptor potential channel interacting; minus strand). Cytogenetic location: 16p13.3.
Variant type: single nucleotide variant.
Coding change: c.12218C>T on transcript NM_001009944.3 (MANE Select); coding-DNA position 12218, C replaced by T.
Protein change: p.Thr4073Ile; replaces threonine 4073 with isoleucine.
Molecular consequence: missense variant.
Genome position (GRCh38, 1-based): chr16:2,090,511, G>A on the plus strand (C>T on the coding strand, the complement: PKD1 is on the minus strand). VCF-style: chr16-2090511-G-A. GRCh37 (hg19) VCF-style: chr16-2140512-G-A.
Other names: c.12215C>T, p.Thr4072Ile (NM_000296.4); short protein forms T4072I, T4073I.
Identifiers: ClinVar variation 4137405 (VCV004137405.2).
Genomic context (GRCh38, chr16:2,090,511, plus strand): 5'-AGTGCCCAGAGCCCCACACACAGCAGGGGTGACAGGTGCCAGGACTCGGCAGGACACAGG[G>A]TAGAGAGCCCAGTCCCAGGGCACAGCACCAACAGGGCCTGGGCCACGCTCCAGAGGGAGT-3'
Protein context (NP_001009944.3, residues 4063-4083): LVLCPGTGLS[Thr4073Ile]LCPAESWHLS

ClinVar aggregate classification (germline): Uncertain significance. Review status: criteria provided, multiple submitters, no conflicts (2 of 4 stars). 2 submissions from 2 submitters: Uncertain significance (2). Last evaluated 2026-07-05.

Conditions:
PKD1-related disorder. Also called: PKD1-related condition.
Inborn genetic diseases. Identifiers: MedGen C0950123, MeSH D030342.

gnomAD v4.1: 46 of 1,611,192 alleles (0.0029%); highest among the groups gnomAD compares: South Asian, 0.0088%; no homozygotes.

Submissions (2):

PreventionGenetics, part of Exact Sciences
Classification: Uncertain significance for PKD1-related condition. Last evaluated: 2026-07-05. Review status: criteria provided, single submitter. Criteria: ACMG Guidelines, 2015. Collection method: clinical testing. Allele origin: germline.
Comment: The PKD1 c.12218C>T variant is predicted to result in the amino acid substitution p.Thr4073Ile. To our knowledge, this variant has not been reported in the literature. This variant is reported in 0.0099% of alleles in individuals of South Asian descent in gnomAD. At this time, the clinical significance of this variant is uncertain due to the absence of conclusive functional and genetic evidence.

Ambry Genetics
Classification: Uncertain significance for Inborn genetic diseases. Last evaluated: 2025-08-12. Review status: criteria provided, single submitter. Criteria: Ambry Variant Classification Scheme 2023. Collection method: clinical testing. Allele origin: germline.